The following is an entry in ClinVar:

NM_001040108.2(MLH3):c.2887T>C (p.Cys963Arg)

Gene: MLH3 (mutL homolog 3; minus strand). Cytogenetic location: 14q24.3.
Variant type: single nucleotide variant.
Coding change: c.2887T>C on transcript NM_001040108.2 (MANE Select); coding-DNA position 2887, T replaced by C.
Protein change: p.Cys963Arg; replaces cysteine 963 with arginine.
Molecular consequence: missense variant.
Genome position (GRCh38, 1-based): chr14:75,046,769, A>G on the plus strand (T>C on the coding strand, the complement: MLH3 is on the minus strand). VCF-style: chr14-75046769-A-G. GRCh37 (hg19) VCF-style: chr14-75513472-A-G.
Other names: c.2887T>C, p.Cys963Arg (NM_014381.3); short protein forms C963R.
Identifiers: ClinVar variation 2819548 (VCV002819548.3), dbSNP rs1892263113, ClinGen allele CA390437760.
Genomic context (GRCh38, chr14:75,046,769, plus strand): 5'-CTTTACCGGTAACTTTAGAATTATTATAGGGCAATACCAAAGGAGTTTCTGATATCACAC[A>G]GTTCTCTGTTGTATTGCTGTTAGAATGTGTTTTACTATTTTTATTAAAGGAATTATCCTG-3'
Protein context (NP_001035197.1, residues 953-973): THSNSNTTEN[Cys963Arg]VISETPLVLP

ClinVar aggregate classification (germline): Uncertain significance (1 of 4 stars; one submission).

Conditions:
Colorectal cancer, hereditary nonpolyposis, type 7. Identifiers: Orphanet 144, MedGen C1858380, MONDO:0013725, OMIM 614385.

Submission:

Labcorp Genetics (formerly Invitae), Labcorp
Classification: Uncertain significance for Colorectal cancer, hereditary nonpolyposis, type 7. Last evaluated: 2022-12-08. Review status: criteria provided, single submitter. Criteria: Invitae Variant Classification Sherloc (09022015). Collection method: clinical testing. Allele origin: germline.
Comment: Algorithms developed to predict the effect of missense changes on protein structure and function (SIFT, PolyPhen-2, Align-GVGD) all suggest that this variant is likely to be tolerated. This variant has not been reported in the literature in individuals affected with MLH3-related conditions. This variant is not present in population databases (gnomAD no frequency). This sequence change replaces cysteine, which is neutral and slightly polar, with arginine, which is basic and polar, at codon 963 of the MLH3 protein (p.Cys963Arg). In summary, the available evidence is currently insufficient to determine the role of this variant in disease. Therefore, it has been classified as a Variant of Uncertain Significance.